The following is an entry in ClinVar:

NC_000011.10:g.13710693del

Gene: FAR1 (fatty acyl-CoA reductase 1; plus strand). Cytogenetic location: 11p15.3.
Variant type: Deletion.
Genome position: GRCh38 VCF-style: chr11-13710691-AG-A. GRCh37 (hg19) VCF-style: chr11-13732238-AG-A.
Identifiers: ClinVar variation 1373657 (VCV001373657.6), dbSNP rs2134191508, ClinGen allele CA2573146077.

ClinVar aggregate classification (germline): Pathogenic (1 of 4 stars; one submission).

Submission:

Labcorp Genetics (formerly Invitae), Labcorp
Classification: Pathogenic. Last evaluated: 2025-02-24. Review status: criteria provided, single submitter. Criteria: Invitae Variant Classification Sherloc (09022015). Collection method: clinical testing. Allele origin: germline.
Comment: This sequence change creates a premature translational stop signal (p.Glu182Aspfs*7) in the FAR1 gene. It is expected to result in an absent or disrupted protein product. Loss-of-function variants in FAR1 are known to be pathogenic (PMID: 25439727, 33586168). This variant is not present in population databases (gnomAD no frequency). This variant has not been reported in the literature in individuals affected with FAR1-related conditions. ClinVar contains an entry for this variant (Variation ID: 1373657). Algorithms developed to predict the effect of sequence changes on RNA splicing suggest that this variant may disrupt the consensus splice site. For these reasons, this variant has been classified as Pathogenic.

Literature cited by the submitters: PubMed 25439727; PubMed 33586168.